The following is an entry in ClinVar:

ClinVar aggregate classification (germline): Uncertain significance (1 of 4 stars; one submission).

Conditions:
Baller-Gerold syndrome (BGS). Also called: CRANIOSYNOSTOSIS WITH RADIAL DEFECTS. Identifiers: Orphanet 1225, MedGen C0265308, MONDO:0009039, OMIM 218600.

Submission:

Labcorp Genetics (formerly Invitae), Labcorp
Classification: Uncertain significance for Baller-Gerold syndrome. Last evaluated: 2022-05-04. Review status: criteria provided, single submitter. Criteria: Invitae Variant Classification Sherloc (09022015). Collection method: clinical testing. Allele origin: germline.
Comment: In summary, the available evidence is currently insufficient to determine the role of this variant in disease. Therefore, it has been classified as a Variant of Uncertain Significance. ClinVar contains an entry for this variant (Variation ID: 583077). This variant has not been reported in the literature in individuals affected with RECQL4-related conditions. This variant is not present in population databases (gnomAD no frequency). This sequence change replaces leucine, which is neutral and non-polar, with phenylalanine, which is neutral and non-polar, at codon 65 of the RECQL4 protein (p.Leu65Phe).

NM_004260.4(RECQL4):c.193C>T (p.Leu65Phe)

Gene: RECQL4 (RecQ like helicase 4; minus strand). Cytogenetic location: 8q24.3.
Variant type: single nucleotide variant.
Coding change: c.193C>T on transcript NM_004260.4 (MANE Select); coding-DNA position 193, C replaced by T.
Protein change: p.Leu65Phe; replaces leucine 65 with phenylalanine.
Molecular consequence: missense variant.
Genome position (GRCh38, 1-based): chr8:144,517,434, G>A on the plus strand (C>T on the coding strand, the complement: RECQL4 is on the minus strand). VCF-style: chr8-144517434-G-A. GRCh37 (hg19) VCF-style: chr8-145742818-G-A.
Other names: short protein forms L65F.
Identifiers: ClinVar variation 583077 (VCV000583077.5), dbSNP rs1564811672, ClinGen allele CA372692538.